The following is an entry in ClinVar:

ClinVar aggregate classification (germline): Pathogenic (1 of 4 stars; one submission).

Conditions:
Recombinase activating gene 2 deficiency. Also called: RAG2 deficiency. Identifiers: MedGen CN257931, MONDO:0000573.

Submission:

Myriad Genetics, Inc.
Classification: Pathogenic for Recombinase activating gene 2 deficiency. Last evaluated: 2025-11-24. Review status: criteria provided, single submitter. Criteria: Myriad Autosomal Dominant, Autosomal Recessive and X-Linked Classification Criteria (2023). Collection method: clinical testing. Allele origin: unknown.
Comment: NM_001243785.1(RAG2):c.1404delT(L469Cfs*16) is a frameshift variant classified as pathogenic in the context of severe combined immunodeficiency, RAG2-related. L469Cfs*16 has not been observed in cases with relevant disease. Relevant functional assessments of this variant are not available in the literature. L469Cfs*16 has not been observed in referenced population frequency databases. In summary, NM_001243785.1(RAG2):c.1404delT(L469Cfs*16) is a frameshift variant in a gene where loss of function is a known mechanism of disease and is predicted to disrupt protein function. Please note: this variant was assessed in the context of healthy population screening.

NM_000536.4(RAG2):c.1404del (p.Leu469fs)

Gene: RAG2 (recombination activating 2; minus strand). Cytogenetic location: 11p12.
Variant type: Deletion.
Coding change: c.1404del on transcript NM_000536.4 (MANE Select); coding-DNA position 1404, one base deleted (T; older notation c.1404delT).
Protein change: p.Leu469fs; shifts the reading frame from leucine 469.
Molecular consequence: frameshift variant.
Genome position (GRCh38, 1-based): chr11:36,592,765, A deleted on the plus strand (T on the coding strand, the reverse complement: RAG2 is on the minus strand). VCF-style (leftmost placement, unchanged base first): chr11-36592764-GA-G. GRCh37 (hg19) VCF-style: chr11-36614314-GA-G.
Other names: c.1404del, p.Leu469fs (NM_001243785.2, NM_001243786.2); short protein forms L469fs.
Identifiers: ClinVar variation 5004296 (VCV005004296.1).